The following is an entry in ClinVar:

NM_020975.6(RET):c.2608-3C>T

Gene: RET (ret proto-oncogene; plus strand). Cytogenetic location: 10q11.21.
Variant type: single nucleotide variant.
Coding change: c.2608-3C>T on transcript NM_020975.6 (MANE Select); 3 bases into the intron before coding-DNA position 2608, C replaced by T.
Molecular consequence: intron variant.
Genome position (GRCh38, 1-based): chr10:43,120,078, C>T. VCF-style: chr10-43120078-C-T. GRCh37 (hg19) VCF-style: chr10-43615526-C-T.
Other names: c.2608-3C>T (NM_020975.4, NM_020630.7, NM_001406743.1 and 3 more transcripts); c.2473-3C>T (NM_001406765.1, NM_001406763.1); c.2212-3C>T (NM_001406772.1, NM_001406769.1); c.2170-3C>T (NM_001406773.1, NM_001406771.1); c.1711-3C>T (NM_001406782.1, NM_001406780.1, NM_001406779.1 and 1 more transcripts); c.1576-3C>T (NM_001406787.1); c.1591-3C>T (NM_001406785.1); c.2479-3C>T (NM_001406764.1, NM_001406762.1, NM_001406761.1); and 10 more.
Identifiers: ClinVar variation 1960940 (VCV001960940.6), dbSNP rs1838178125, ClinGen allele CA1905819816.

ClinVar aggregate classification (germline): Uncertain significance. Review status: criteria provided, multiple submitters, no conflicts (2 of 4 stars). 2 submissions from 2 submitters: Uncertain significance (2). Last evaluated 2024-02-29.

Conditions:
Hereditary cancer-predisposing syndrome. Also called: Hereditary Cancer Syndrome; Hereditary neoplastic syndrome; Tumor predisposition; Neoplastic Syndromes, Hereditary. Identifiers: Orphanet 140162, MedGen C0027672, MeSH D009386, MONDO:0015356.
Multiple endocrine neoplasia, type 2 (MEN2). Identifiers: Orphanet 653, MedGen C4048306, MONDO:0019003. Disease mechanism: gain of function.

Allele frequency attached by ClinVar (database versions not stated): gnomAD exomes below 0.00001; TOPMed below 0.00001.

Submissions (2):

Ambry Genetics
Classification: Uncertain significance for Hereditary cancer-predisposing syndrome. Last evaluated: 2024-02-29. Review status: criteria provided, single submitter. Criteria: Ambry Variant Classification Scheme 2023. Collection method: clinical testing. Allele origin: germline.
Comment: The c.2608-3C>T intronic variant results from a C to T substitution 3 nucleotides upstream from coding exon 15 in the RET gene. This nucleotide position is poorly conserved in available vertebrate species. In silico splice site analysis predicts that this alteration will not have any significant effect on splicing. Based on the available evidence, the clinical significance of this alteration remains unclear.

Labcorp Genetics (formerly Invitae), Labcorp
Classification: Uncertain significance for Multiple endocrine neoplasia, type 2. Last evaluated: 2023-12-31. Review status: criteria provided, single submitter. Criteria: Invitae Variant Classification Sherloc (09022015). Collection method: clinical testing. Allele origin: germline.
Comment: This sequence change falls in intron 14 of the RET gene. It does not directly change the encoded amino acid sequence of the RET protein. It affects a nucleotide within the consensus splice site. This variant is not present in population databases (gnomAD no frequency). This variant has not been reported in the literature in individuals affected with RET-related conditions. ClinVar contains an entry for this variant (Variation ID: 1960940). Variants that disrupt the consensus splice site are a relatively common cause of aberrant splicing (PMID: 17576681, 9536098). Algorithms developed to predict the effect of sequence changes on RNA splicing suggest that this variant is not likely to affect RNA splicing. In summary, the available evidence is currently insufficient to determine the role of this variant in disease. Therefore, it has been classified as a Variant of Uncertain Significance.

Literature cited by the submitters: PubMed 17576681 (cited by Labcorp Genetics (formerly Invitae), Labcorp); PubMed 9536098 (cited by Labcorp Genetics (formerly Invitae), Labcorp).